The following is an entry in ClinVar:

ClinVar aggregate classification (germline): Likely benign (1 of 4 stars; one submission).

Allele frequency attached by ClinVar (database versions not stated): 1000 Genomes Project 30x 0.00109; 1000 Genomes Project 0.00140; ExAC 0.00156; ESP Exome Variant Server 0.00162; gnomAD 0.00166; TOPMed 0.00170.
gnomAD v4.1: 3,163 of 1,612,932 alleles (0.2%); highest among the groups gnomAD compares: Middle Eastern, 0.36%; 5 homozygotes.

Submission:

CeGaT Center for Human Genetics Tuebingen
Classification: Likely benign. Last evaluated: 2022-04-01. Review status: criteria provided, single submitter. Criteria: CeGaT Center For Human Genetics Tuebingen Variant Classification Criteria Version 2. Collection method: clinical testing. Allele origin: germline. Affected: yes. Observed: 1 variant allele.
Comment: PIAS4: BP4, BP7

NM_015897.4(PIAS4):c.627G>A (p.Pro209=)

Gene: PIAS4 (protein inhibitor of activated STAT 4; plus strand). Cytogenetic location: 19p13.3.
Variant type: single nucleotide variant.
Coding change: c.627G>A on transcript NM_015897.4 (MANE Select); coding-DNA position 627, G replaced by A.
Protein change: p.Pro209=; no amino-acid change (proline 209 retained).
Molecular consequence: synonymous variant.
Genome position (GRCh38, 1-based): chr19:4,028,555, G>A. VCF-style: chr19-4028555-G-A. GRCh37 (hg19) VCF-style: chr19-4028553-G-A.
Identifiers: ClinVar variation 2649024 (VCV002649024.24), dbSNP rs147751353, ClinGen allele CA9089852.